The following is an entry in ClinVar:

ClinVar aggregate classification (germline): Uncertain significance (1 of 4 stars; one submission).

Submission:

Labcorp Genetics (formerly Invitae), Labcorp
Classification: Uncertain significance. Last evaluated: 2024-06-11. Review status: criteria provided, single submitter. Criteria: Invitae Variant Classification Sherloc (09022015). Collection method: clinical testing. Allele origin: germline.
Comment: This sequence change replaces glutamine, which is neutral and polar, with arginine, which is basic and polar, at codon 487 of the JAK1 protein (p.Gln487Arg). This variant is not present in population databases (gnomAD no frequency). This variant has not been reported in the literature in individuals affected with JAK1-related conditions. An algorithm developed to predict the effect of missense changes on protein structure and function (PolyPhen-2) suggests that this variant is likely to be tolerated. In summary, the available evidence is currently insufficient to determine the role of this variant in disease. Therefore, it has been classified as a Variant of Uncertain Significance.

NM_002227.4(JAK1):c.1460A>G (p.Gln487Arg)

Gene: JAK1 (Janus kinase 1; minus strand). Cytogenetic location: 1p31.3.
Variant type: single nucleotide variant.
Coding change: c.1460A>G on transcript NM_002227.4 (MANE Select); coding-DNA position 1460, A replaced by G.
Protein change: p.Gln487Arg; replaces glutamine 487 with arginine.
Molecular consequence: missense variant. On other transcripts: splice acceptor variant (1).
Genome position (GRCh38, 1-based): chr1:64,855,697, T>C on the plus strand (A>G on the coding strand, the complement: JAK1 is on the minus strand). VCF-style: chr1-64855697-T-C. GRCh37 (hg19) VCF-style: chr1-65321380-T-C.
Other names: c.1460A>G, p.Gln487Arg (NM_001320923.2, NM_001321852.2, NM_001321853.2 and 3 more transcripts); c.1459-2A>G (NM_001321857.2); short protein forms Q487R.
Identifiers: ClinVar variation 3692818 (VCV003692818.2).
Genomic context (GRCh38, chr1:64,855,697, plus strand): 5'-TAGCGGCCCTTCTGCACCTCGATCTGAAAGTTCTTGAACTGCTTCTGGGCACCCTGCACC[T>C]GCTATTCGGGAAATGACCAGAAATTACATGTTTAAAATGGGGTCAGGCATGGGTATGTAA-3'
Protein context (NP_002218.2, residues 477-497): MTVTCFEKSE[Gln487Arg]VQGAQKQFKN